The following is an entry in ClinVar:

ClinVar aggregate classification (germline): Uncertain significance. Review status: criteria provided, multiple submitters, no conflicts (2 of 4 stars). 5 submissions from 5 submitters: Uncertain significance (5). Last evaluated 2025-06-02.

Conditions:
Hereditary cancer-predisposing syndrome. Also called: Neoplastic Syndromes, Hereditary; Hereditary neoplastic syndrome; Tumor predisposition; Hereditary Cancer Syndrome. Identifiers: Orphanet 140162, MedGen C0027672, MeSH D009386, MONDO:0015356.
Hereditary pheochromocytoma and paraganglioma. Also called: Hereditary Paraganglioma-Pheochromocytoma Syndromes; Hereditary paragangliomas and pheochromocytomas; Hereditary pheochromocytoma-paraganglioma. Identifiers: Orphanet 29072, MedGen C4274332, MONDO:0017366.

Allele frequency attached by ClinVar (database versions not stated): gnomAD exomes below 0.00001 and 0.00001.
gnomAD v4.1: 5 of 1,614,134 alleles (0.00031%); highest among the groups gnomAD compares: South Asian, 0.0011%; no homozygotes.

Submissions (5):

Labcorp Genetics (formerly Invitae), Labcorp
Classification: Uncertain significance for Hereditary pheochromocytoma and paraganglioma. Last evaluated: 2025-06-02. Review status: criteria provided, single submitter. Criteria: Invitae Variant Classification Sherloc (09022015). Collection method: clinical testing. Allele origin: germline.
Comment: This sequence change replaces alanine, which is neutral and non-polar, with valine, which is neutral and non-polar, at codon 155 of the SDHAF2 protein (p.Ala155Val). This variant is present in population databases (no rsID available, gnomAD 0.0009%). This variant has not been reported in the literature in individuals affected with SDHAF2-related conditions. ClinVar contains an entry for this variant (Variation ID: 463828). An algorithm developed to predict the effect of missense changes on protein structure and function (PolyPhen-2) suggests that this variant is likely to be disruptive. In summary, the available evidence is currently insufficient to determine the role of this variant in disease. Therefore, it has been classified as a Variant of Uncertain Significance.

Ambry Genetics
Classification: Uncertain significance for Hereditary cancer-predisposing syndrome. Last evaluated: 2025-05-04. Review status: criteria provided, single submitter. Criteria: Ambry Variant Classification Scheme 2023. Collection method: clinical testing. Allele origin: germline.
Comment: The p.A155V variant (also known as c.464C>T), located in coding exon 4 of the SDHAF2 gene, results from a C to T substitution at nucleotide position 464. The alanine at codon 155 is replaced by valine, an amino acid with similar properties. This amino acid position is conserved. In addition, the in silico prediction for this alteration is inconclusive. Since supporting evidence is limited at this time, the clinical significance of this alteration remains unclear.

Quest Diagnostics Nichols Institute San Juan Capistrano
Classification: Uncertain significance. Last evaluated: 2025-02-27. Review status: criteria provided, single submitter. Criteria: Quest Diagnostics criteria. Collection method: clinical testing. Allele origin: unknown.
Comment: The SDHAF2 c.464C>T (p.Ala155Val) variant has not been reported in individuals with SDHAF2-related conditions in the published literature. The frequency of this variant in the general population (Genome Aggregation Database) is uninformative in the assessment of its pathogenicity. Analysis of this variant using bioinformatics tools for the prediction of the effect of amino acid changes on protein structure and function yielded conflicting predictions that this variant is benign or damaging. Based on the available information, we are unable to determine the clinical significance of this variant.

All of Us Research Program, National Institutes of Health
Classification: Uncertain significance for Hereditary pheochromocytoma and paraganglioma. Last evaluated: 2024-06-11. Review status: criteria provided, single submitter. Criteria: ACMG Guidelines, 2015. Collection method: clinical testing. Allele origin: germline. Inheritance: Autosomal dominant inheritance. Observed: 2 variant alleles, 2 heterozygotes.
Comment: This missense variant replaces alanine with valine at codon 155 of the SDHAF2 protein. Computational prediction suggests that this variant may not impact protein structure and function (internally defined REVEL score threshold <= 0.5, PMID: 27666373). To our knowledge, functional studies have not been reported for this variant. This variant has not been reported in individuals affected with SDHAF2-related disorders in the literature. This variant has been identified in 1/251464 chromosomes in the general population by the Genome Aggregation Database (gnomAD). The available evidence is insufficient to determine the role of this variant in disease conclusively. Therefore, this variant is classified as a Variant of Uncertain Significance.

This study involves interpretation of variants in research participants for the purpose of population health screening. Participant phenotype was not available at the time of variant classification. Additional details can be found in publication PMID: 35346344, PMCID: PMC8962531

Color Diagnostics, LLC DBA Color Health
Classification: Uncertain significance for Hereditary pheochromocytoma and paraganglioma. Last evaluated: 2023-11-30. Review status: criteria provided, single submitter. Criteria: ACMG Guidelines, 2015. Collection method: clinical testing. Allele origin: germline.
Comment: This missense variant replaces alanine with valine at codon 155 of the SDHAF2 protein. Computational prediction suggests that this variant may not impact protein structure and function. To our knowledge, functional studies have not been reported for this variant. This variant has not been reported in individuals affected with SDHAF2-related disorders in the literature. This variant has been identified in 1/251464 chromosomes in the general population by the Genome Aggregation Database (gnomAD). The available evidence is insufficient to determine the role of this variant in disease conclusively. Therefore, this variant is classified as a Variant of Uncertain Significance.

Literature cited by the submitters: PubMed 29018192 (cited by Quest Diagnostics Nichols Institute San Juan Capistrano).

NM_017841.4(SDHAF2):c.464C>T (p.Ala155Val)

Gene: SDHAF2 (succinate dehydrogenase complex assembly factor 2; plus strand). Cytogenetic location: 11q12.2.
Variant type: single nucleotide variant.
Coding change: c.464C>T on transcript NM_017841.4 (MANE Select); coding-DNA position 464, C replaced by T.
Protein change: p.Ala155Val; replaces alanine 155 with valine.
Molecular consequence: missense variant.
Genome position (GRCh38, 1-based): chr11:61,446,034, C>T. VCF-style: chr11-61446034-C-T. GRCh37 (hg19) VCF-style: chr11-61213506-C-T.
Other names: short protein forms A155V.
Identifiers: ClinVar variation 463828 (VCV000463828.14), dbSNP rs1245083102, ClinGen allele CA380685487.
Genomic context (GRCh38, chr11:61,446,034, plus strand): 5'-AAGTCATGGCCCTGCTGAGAGACTTTGCTAAAAACAAAAACAAAGAGCAGAGACTGCGTG[C>T]CCCAGATCTTGAGTACCTCTTTGAAAAGCCACGTTGAGCTGTGCTCCACGGCCTGGCATG-3'
Protein context (NP_060311.1, residues 145-165): KNKNKEQRLR[Ala155Val]PDLEYLFEKP